The following is an entry in ClinVar:

NM_000554.6(CRX):c.*2375G>A

Gene: CRX (cone-rod homeobox; plus strand). Cytogenetic location: 19q13.33.
Variant type: single nucleotide variant.
Coding change: c.*2375G>A on transcript NM_000554.6 (MANE Select); 2375 bases downstream of the stop codon, G replaced by A.
Molecular consequence: 3 prime UTR variant.
Genome position (GRCh38, 1-based): chr19:47,842,342, G>A. VCF-style: chr19-47842342-G-A. GRCh37 (hg19) VCF-style: chr19-48345599-G-A.
Identifiers: ClinVar variation 329760 (VCV000329760.5), dbSNP rs188212480, ClinGen allele CA10652654.

ClinVar aggregate classification (germline): Benign/Likely benign. Review status: criteria provided, single submitter (1 of 4 stars). 3 submissions from 1 submitter: Benign (2); Likely benign (1). Last evaluated 2018-01-13.

Conditions:
Leber congenital amaurosis 7 (LCA7). Identifiers: Orphanet 65, MedGen C3151192, MONDO:0013449, OMIM 613829.
Retinitis pigmentosa (RP). Identifiers: Orphanet 791, MedGen C0035334, MeSH D012174, MONDO:0019200, OMIM 268000. Inheritance: Autosomal dominant, autosomal recessive and X linked inheritance.
Cone-rod dystrophy 2 (CORD2). Also called: CONE-ROD RETINAL DYSTROPHY; Cone-rod retinal dystrophy 2. Identifiers: Orphanet 1872, MedGen C3489532, MONDO:0007362, OMIM 120970.

Allele frequency attached by ClinVar (database versions not stated): gnomAD 0.00574 and 0.00612; TOPMed 0.00684; 1000 Genomes Project 30x 0.00796; 1000 Genomes Project 0.00799.

Submissions (3):

Illumina Laboratory Services, Illumina
Classification: Benign for Cone-rod dystrophy 2. Last evaluated: 2018-01-13. Review status: criteria provided, single submitter. Criteria: ICSL Variant Classification Criteria 13 December 2019. Collection method: clinical testing. Allele origin: germline.
Comment: This variant was observed in the ICSL laboratory as part of a predisposition screen in an ostensibly healthy population. It had not been previously curated by ICSL or reported in the Human Gene Mutation Database (HGMD: prior to June 1st, 2018), and was therefore a candidate for classification through an automated scoring system. Utilizing variant allele frequency, disease prevalence and penetrance estimates, and inheritance mode, an automated score was calculated to assess if this variant is too frequent to cause the disease. Based on the score and internal cut-off values, a variant classified as benign is not then subjected to further curation. The score for this variant resulted in a classification of benign for this disease.

Illumina Laboratory Services, Illumina
Classification: Likely benign for Leber congenital amaurosis 7. Last evaluated: 2018-01-13. Review status: criteria provided, single submitter. Criteria: ICSL Variant Classification Criteria 13 December 2019. Collection method: clinical testing. Allele origin: germline.
Comment: This variant was observed in the ICSL laboratory as part of a predisposition screen in an ostensibly healthy population. It had not been previously curated by ICSL or reported in the Human Gene Mutation Database (HGMD: prior to June 1st, 2018), and was therefore a candidate for classification through an automated scoring system. Utilizing variant allele frequency, disease prevalence and penetrance estimates, and inheritance mode, an automated score was calculated to assess if this variant is too frequent to cause the disease. Based on the score and internal cut-off values, a variant classified as likely benign is not then subjected to further curation. The score for this variant resulted in a classification of likely benign for this disease.

Illumina Laboratory Services, Illumina
Classification: Benign for Retinitis pigmentosa. Last evaluated: 2018-01-13. Review status: criteria provided, single submitter. Criteria: ICSL Variant Classification Criteria 13 December 2019. Collection method: clinical testing. Allele origin: germline.
Comment: the same text as in the submission from Illumina Laboratory Services, Illumina above.